The following is an entry in ClinVar:

NM_001376.5(DYNC1H1):c.4234C>T (p.His1412Tyr)

Gene: DYNC1H1 (dynein cytoplasmic 1 heavy chain 1; plus strand). Cytogenetic location: 14q32.31.
Variant type: single nucleotide variant.
Coding change: c.4234C>T on transcript NM_001376.5 (MANE Select); coding-DNA position 4234, C replaced by T.
Protein change: p.His1412Tyr; replaces histidine 1412 with tyrosine.
Molecular consequence: missense variant.
Genome position (GRCh38, 1-based): chr14:102,001,193, C>T. VCF-style: chr14-102001193-C-T. GRCh37 (hg19) VCF-style: chr14-102467530-C-T.
Other names: short protein forms H1412Y.
Identifiers: ClinVar variation 813291 (VCV000813291.3), dbSNP rs1595609005, ClinGen allele CA391040167.

ClinVar aggregate classification (germline): Likely pathogenic. Review status: criteria provided, multiple submitters, no conflicts (2 of 4 stars). 2 submissions from 2 submitters: Likely pathogenic (2). Last evaluated 2026-02-11.

Conditions:
Intellectual disability. Also called: Intellectual functioning disability; Intellectual developmental disorder; intellectual disabilities. Identifiers: MedGen C3714756, MeSH D008607, MONDO:0001071, HP:0001249.

Submissions (2):

GeneDx
Classification: Likely pathogenic. Last evaluated: 2026-02-11. Review status: criteria provided, single submitter. Criteria: GeneDx Variant Classification Process June 2021. Collection method: clinical testing. Allele origin: germline.
Comment: Not observed at significant frequency in large population cohorts (gnomAD); In silico analysis supports that this missense variant has a deleterious effect on protein structure/function; This variant is associated with the following publications: (PMID: 25512093, 25609763, 26100331, 32656949)

Pediatric Genomics Discovery Program, Yale University
Classification: Likely pathogenic for Intellectual disability. Last evaluated: 2020-01-31. Review status: criteria provided, single submitter. Criteria: ACMG Guidelines, 2015. Collection method: research. Allele origin: de novo. Inheritance: Sporadic. Affected: yes. Observed: 1 heterozygote.
Comment: The p.His1412Tyr variant in DYNC1H1 has not been reported prior to this entry, and is absent from controls (PM2). This residue is highly conserved in species. Multiple lines of in silico predictors suggest damaging effect of this amino acid substitution (PP3).